The following is an entry in ClinVar:

NM_152564.5(VPS13B):c.3701del (p.Asn1234fs)

Gene: VPS13B (vacuolar protein sorting 13 homolog B; plus strand). Cytogenetic location: 8q22.2.
Variant type: Deletion.
Coding change: c.3701del on transcript NM_152564.5 (MANE Select); coding-DNA position 3701, one base deleted (A; older notation c.3701delA).
Protein change: p.Asn1234fs; shifts the reading frame from asparagine 1234.
Molecular consequence: frameshift variant.
Genome position (GRCh38, 1-based): chr8:99,481,633, A deleted; the last of 2 consecutive A bases (chr8:99,481,632-99,481,633); deleting either gives the same sequence. VCF-style (leftmost placement, unchanged base first): chr8-99481631-GA-G. GRCh37 (hg19) VCF-style: chr8-100493859-GA-G.
Other names: c.3701del, p.Asn1234fs (NM_017890.5); short protein forms N1234fs.
Identifiers: ClinVar variation 957915 (VCV000957915.7), dbSNP rs1820043726, ClinGen allele CA1139660686.

ClinVar aggregate classification (germline): Pathogenic (1 of 4 stars; one submission).

Conditions:
Cohen syndrome (COH1). Also called: Cutis verticis gyrata, retinitis pigmentosa, and sensorineural deafness; PEPPER SYNDROME. Identifiers: Orphanet 193, MedGen C0265223, MONDO:0008999, OMIM 216550.

Submission:

Labcorp Genetics (formerly Invitae), Labcorp
Classification: Pathogenic for Cohen syndrome. Last evaluated: 2022-06-09. Review status: criteria provided, single submitter. Criteria: Invitae Variant Classification Sherloc (09022015). Collection method: clinical testing. Allele origin: germline.
Comment: This sequence change creates a premature translational stop signal (p.Asn1234Ilefs*36) in the VPS13B gene. It is expected to result in an absent or disrupted protein product. Loss-of-function variants in VPS13B are known to be pathogenic (PMID: 15141358, 16648375, 20461111). For these reasons, this variant has been classified as Pathogenic. ClinVar contains an entry for this variant (Variation ID: 957915). This variant has not been reported in the literature in individuals affected with VPS13B-related conditions. This variant is not present in population databases (gnomAD no frequency).

Literature cited by the submitters: PubMed 15141358; PubMed 16648375; PubMed 20461111.